The following is an entry in ClinVar:

ClinVar aggregate classification (germline): Likely pathogenic. Review status: criteria provided, single submitter (1 of 4 stars). 2 submissions from 2 submitters: Likely pathogenic (1). 1 of the submissions does not count toward it. Last evaluated 2025-03-21.

Conditions:
Dilated cardiomyopathy 1G (CMD1G). Identifiers: Orphanet 154, MedGen C1858763, MONDO:0011400, OMIM 604145.
Ventricular tachycardia. Identifiers: MedGen C0042514, MONDO:0005477, HP:0004756.

Submissions (2):

Clinical Genetics Laboratory, Skane University Hospital Lund
Classification: Likely pathogenic for Ventricular tachycardia. Last evaluated: 2025-03-21. Review status: criteria provided, single submitter. Criteria: ACMG Guidelines, 2015. Collection method: clinical testing. Allele origin: germline. Affected: yes.
Comment: PVS1, PM2

Institute of Human Genetics, University of Wuerzburg
Classification: Likely pathogenic for Dilated cardiomyopathy 1G. Review status: no assertion criteria provided. Collection method: clinical testing. Allele origin: unknown. Affected: yes. Observed: 1 variant allele. Not counted in ClinVar's aggregate classification.

NM_001267550.2(TTN):c.50723del (p.Lys16908fs)

Genes: TTN-AS1 (TTN antisense RNA 1; plus strand), TTN (titin; minus strand). Cytogenetic location: 2q31.2.
Variant type: Deletion.
Coding change: c.50723del on transcript NM_001267550.2 (MANE Select); coding-DNA position 50723, one base deleted (A; older notation c.50723delA).
Protein change: p.Lys16908fs; shifts the reading frame from lysine 16908.
Molecular consequence: frameshift variant.
Genome position (GRCh38, 1-based): chr2:178,611,506, T deleted on the plus strand (A on the coding strand, the reverse complement: TTN is on the minus strand); the first of 3 consecutive T bases (chr2:178,611,506-178,611,508); deleting any one gives the same sequence. VCF-style (leftmost placement, unchanged base first): chr2-178611505-CT-C. GRCh37 (hg19) VCF-style: chr2-179476232-CT-C.
Other names: c.45800del, p.Lys15267fs (NM_001256850.1); c.23528del, p.Lys7843fs (NM_003319.4); c.43019del, p.Lys14340fs (NM_133378.4); c.23903del, p.Lys7968fs (NM_133432.3); c.24104del, p.Lys8035fs (NM_133437.4); short protein forms K14340fs, K15267fs, K16908fs, K7843fs, K7968fs, K8035fs.
Identifiers: ClinVar variation 2578378 (VCV002578378.2), dbSNP rs2056319448, ClinGen allele CA2580617715.